The following is an entry in ClinVar:

NM_012245.3(SNW1):c.1078C>T (p.Arg360Ter)

Gene: SNW1 (SNW domain containing 1; minus strand). Cytogenetic location: 14q24.3.
Variant type: single nucleotide variant.
Coding change: c.1078C>T on transcript NM_012245.3 (MANE Select); coding-DNA position 1078, C replaced by T.
Protein change: p.Arg360Ter; replaces arginine 360 with a stop codon.
Molecular consequence: nonsense.
Genome position (GRCh38, 1-based): chr14:77,723,233, G>A on the plus strand (C>T on the coding strand, the complement: SNW1 is on the minus strand). VCF-style: chr14-77723233-G-A. GRCh37 (hg19) VCF-style: chr14-78189576-G-A.
Other names: c.1078C>T, p.Arg360Ter (NM_001318844.2); short protein forms R360*.
Identifiers: ClinVar variation 4527054 (VCV004527054.1).

ClinVar aggregate classification (germline): Uncertain significance (1 of 4 stars; one submission).

Submission:

GeneDx
Classification: Uncertain significance. Last evaluated: 2024-10-15. Review status: criteria provided, single submitter. Criteria: GeneDx Variant Classification Process June 2021. Collection method: clinical testing. Allele origin: germline. Affected: yes.
Comment: Not observed at significant frequency in large population cohorts (gnomAD); Has not been previously published as pathogenic or benign to our knowledge; Variants in candidate genes are classified as variants of uncertain significance in accordance with ACMG guidelines (PMID: 25741868); Nonsense variant predicted to result in protein truncation or nonsense mediated decay in a gene for which loss-of-function is not a known